The following is an entry in ClinVar:

ClinVar aggregate classification (germline): Uncertain significance. Review status: criteria provided, multiple submitters, no conflicts (2 of 4 stars). 2 submissions from 2 submitters: Uncertain significance (2). Last evaluated 2026-01-08.

Conditions:
Hereditary cancer-predisposing syndrome. Also called: Neoplastic Syndromes, Hereditary; Tumor predisposition; Hereditary neoplastic syndrome; Hereditary Cancer Syndrome. Identifiers: Orphanet 140162, MedGen C0027672, MeSH D009386, MONDO:0015356.

Allele frequency attached by ClinVar (database versions not stated): gnomAD 0.00001; TOPMed 0.00001.
gnomAD v4.1: 2 of 1,610,622 alleles (0.00012%); highest among the groups gnomAD compares: Admixed American, 0.0033%; no homozygotes.

Submissions (2):

Labcorp Genetics (formerly Invitae), Labcorp
Classification: Uncertain significance. Last evaluated: 2026-01-08. Review status: criteria provided, single submitter. Criteria: Invitae Variant Classification Sherloc (09022015). Collection method: clinical testing. Allele origin: germline.
Comment: This sequence change falls in intron 3 of the NTHL1 gene. It does not directly change the encoded amino acid sequence of the NTHL1 protein. This variant is not present in population databases (gnomAD no frequency). This variant has not been reported in the literature in individuals affected with NTHL1-related conditions. ClinVar contains an entry for this variant (Variation ID: 838254). Studies have shown that this variant is associated with inconclusive levels of altered splicing (internal data). In summary, the available evidence is currently insufficient to determine the role of this variant in disease. Therefore, it has been classified as a Variant of Uncertain Significance.

Sema4
Classification: Uncertain significance for Hereditary cancer-predisposing syndrome. Last evaluated: 2021-06-08. Review status: criteria provided, single submitter. Criteria: Sema4 Curation Guidelines. Collection method: curation. Allele origin: germline.
Comment: The NTHL1 c.550-10T>A variant has not been reported in the literature to our knowledge. It was not observed in the large and broad cohorts of the Genome Aggregation Database (PMID: 32461654) but has been reported in ClinVar (Variation ID 838254). In silico tools suggest the variant may disrupt normal splicing, though these predictions have not been confirmed by functional studies. The evidence is insufficient to meet ACMG/AMP criteria for classifying the variant as benign or pathogenic. Thus, the clinical significance of this variant is currently uncertain.

NM_002528.7(NTHL1):c.526-10T>A

Gene: NTHL1 (nth like DNA glycosylase 1; minus strand). Cytogenetic location: 16p13.3.
Variant type: single nucleotide variant.
Coding change: c.526-10T>A on transcript NM_002528.7 (MANE Select); 10 bases into the intron before coding-DNA position 526, T replaced by A.
Molecular consequence: intron variant.
Genome position (GRCh38, 1-based): chr16:2,043,736, A>T on the plus strand (T>A on the coding strand, the complement: NTHL1 is on the minus strand). VCF-style: chr16-2043736-A-T. GRCh37 (hg19) VCF-style: chr16-2093737-A-T.
Other names: c.196-10T>A (NM_001318194.2); c.355-10T>A (NM_001318193.2).
Identifiers: ClinVar variation 838254 (VCV000838254.11), dbSNP rs199771569, ClinGen allele CA276763929.